The following is an entry in ClinVar:

ClinVar aggregate classification (germline): Uncertain significance (1 of 4 stars; one submission).

Submission:

GeneDx
Classification: Uncertain significance. Last evaluated: 2023-06-06. Review status: criteria provided, single submitter. Criteria: GeneDx Variant Classification Process June 2021. Collection method: clinical testing. Allele origin: germline. Affected: yes.
Comment: Not observed at significant frequency in large population cohorts (gnomAD); In silico analysis supports that this missense variant does not alter protein structure/function; Has not been previously published as pathogenic or benign to our knowledge

NM_024757.5(EHMT1):c.1593G>T (p.Glu531Asp)

Genes: EHMT1 (euchromatic histone lysine methyltransferase 1; plus strand), LOC130003148 (ATAC-STARR-seq lymphoblastoid active region 29369; plus strand). Cytogenetic location: 9q34.3.
Variant type: single nucleotide variant.
Coding change: c.1593G>T on transcript NM_024757.5 (MANE Select); coding-DNA position 1593, G replaced by T.
Protein change: p.Glu531Asp; replaces glutamic acid 531 with aspartic acid.
Molecular consequence: missense variant.
Genome position (GRCh38, 1-based): chr9:137,762,766, G>T. VCF-style: chr9-137762766-G-T. GRCh37 (hg19) VCF-style: chr9-140657218-G-T.
Other names: c.1593G>T, p.Glu531Asp (NM_001145527.2, NM_001354611.2); c.1500G>T, p.Glu500Asp (NM_001354259.2, NM_001354612.2); c.1572G>T, p.Glu524Asp (NM_001354263.2); short protein forms E500D, E524D, E531D.
Identifiers: ClinVar variation 3359418 (VCV003359418.1).